The following is an entry in ClinVar:

NM_031885.5(BBS2):c.381A>G (p.Thr127=)

Gene: BBS2 (Bardet-Biedl syndrome 2; minus strand). Cytogenetic location: 16q13.
Variant type: single nucleotide variant.
Coding change: c.381A>G on transcript NM_031885.5 (MANE Select); coding-DNA position 381, A replaced by G.
Protein change: p.Thr127=; no amino-acid change (threonine 127 retained).
Molecular consequence: synonymous variant. On other transcripts: non-coding transcript variant (5).
Genome position (GRCh38, 1-based): chr16:56,511,249, T>C on the plus strand (A>G on the coding strand, the complement: BBS2 is on the minus strand). VCF-style: chr16-56511249-T-C. GRCh37 (hg19) VCF-style: chr16-56545161-T-C.
Other names: c.381A>G, p.Thr127= (NM_001377456.1); c.381A>G (NM_031885.3).
Identifiers: ClinVar variation 2425914 (VCV002425914.8), dbSNP rs2543733576, ClinGen allele CA495588296.

ClinVar aggregate classification (germline): Likely benign. Review status: criteria provided, single submitter (1 of 4 stars). 2 submissions from 2 submitters: Likely benign (1). 1 of the submissions does not count toward it. Last evaluated 2023-01-17.

Conditions:
BBS2-related disorder. Also called: BBS2-related disorders; BBS2-related condition. Identifiers: MedGen CN239228.
Bardet-Biedl syndrome (BBS). Identifiers: Orphanet 110, MedGen C0752166, MONDO:0015229.

Submissions (2):

Labcorp Genetics (formerly Invitae), Labcorp
Classification: Likely benign for Bardet-Biedl syndrome. Last evaluated: 2023-01-17. Review status: criteria provided, single submitter. Criteria: Invitae Variant Classification Sherloc (09022015). Collection method: clinical testing. Allele origin: germline.

PreventionGenetics, part of Exact Sciences
Classification: Likely benign for BBS2-related condition. Last evaluated: 2024-07-10. Review status: no assertion criteria provided. Collection method: clinical testing. Allele origin: germline. Not counted in ClinVar's aggregate classification.
Comment: This variant is classified as likely benign based on ACMG/AMP sequence variant interpretation guidelines (Richards et al. 2015 PMID: 25741868, with internal and published modifications).